The following is an entry in ClinVar:

ClinVar aggregate classification (germline): Uncertain significance (1 of 4 stars; one submission).

Conditions:
Marfan syndrome (MFS). Also called: MARFAN SYNDROME, TYPE I; Marfan syndrome type 1; Marfan's syndrome; Marfan syndrome, classic; FBN1-Related Marfan Syndrome. Identifiers: Orphanet 284963, Orphanet 558, MedGen C0024796, MONDO:0007947, OMIM 154700.
Familial thoracic aortic aneurysm and aortic dissection (TAAD). Also called: Thoracic aortic aneurysms and dissections. Identifiers: Orphanet 91387, MedGen C4707243, MONDO:0019625.

Submission:

Labcorp Genetics (formerly Invitae), Labcorp
Classification: Uncertain significance for Marfan syndrome; Familial thoracic aortic aneurysm and aortic dissection. Last evaluated: 2023-08-20. Review status: criteria provided, single submitter. Criteria: Invitae Variant Classification Sherloc (09022015). Collection method: clinical testing. Allele origin: germline.
Comment: This sequence change falls in intron 63 of the FBN1 gene. It does not directly change the encoded amino acid sequence of the FBN1 protein. It affects a nucleotide within the consensus splice site. In summary, the available evidence is currently insufficient to determine the role of this variant in disease. Therefore, it has been classified as a Variant of Uncertain Significance. Variants that disrupt the consensus splice site are a relatively common cause of aberrant splicing (PMID: 17576681, 9536098). Algorithms developed to predict the effect of sequence changes on RNA splicing suggest that this variant may disrupt the consensus splice site. This variant has been observed in individual(s) with Marfan syndrome (Invitae). This variant is not present in population databases (gnomAD no frequency).

Literature cited by the submitters: PubMed 17576681; PubMed 9536098.

NM_000138.5(FBN1):c.7819+5G>T

Gene: FBN1 (fibrillin 1; minus strand). Cytogenetic location: 15q21.1.
Variant type: single nucleotide variant.
Coding change: c.7819+5G>T on transcript NM_000138.5 (MANE Select); 5 bases into the intron after coding-DNA position 7819, G replaced by T.
Molecular consequence: intron variant.
Genome position (GRCh38, 1-based): chr15:48,420,682, C>A on the plus strand (G>T on the coding strand, the complement: FBN1 is on the minus strand). VCF-style: chr15-48420682-C-A. GRCh37 (hg19) VCF-style: chr15-48712879-C-A.
Other names: c.7819+5G>T (NM_001406716.1).
Identifiers: ClinVar variation 2951146 (VCV002951146.3), dbSNP rs2141220566, ClinGen allele CA2740096611.
Genomic context (GRCh38, chr15:48,420,682, plus strand): 5'-AAGCAGTGTTTTGCTTCATAGGACCTGATAGCCATGCATCTTGAGAGTGAGGAAAAGTTA[C>A]TTGCCAACACACTGGTTCCACTGGTAGTGCTGGAGGTAGCCCTGGGGGCAGCTGCACCTG-3'